The following is an entry in ClinVar:

ClinVar aggregate classification (germline): Pathogenic (1 of 4 stars; one submission).

Conditions:
Hereditary breast ovarian cancer syndrome. Also called: Hereditary breast and ovarian cancer; Hereditary breast and ovarian cancer syndrome; Breast and ovarian cancer; BRCA1- and BRCA2-Associated Hereditary Breast and Ovarian Cancer; Hereditary breast and ovarian cancer syndrome (HBOC); Hereditary breast and/or ovarian cancer syndrome. Identifiers: Orphanet 145, MedGen C0677776, MeSH D061325, MONDO:0003582. Disease mechanism: loss of function.

Submission:

Labcorp Genetics (formerly Invitae), Labcorp
Classification: Pathogenic for Hereditary breast ovarian cancer syndrome. Last evaluated: 2023-08-10. Review status: criteria provided, single submitter. Criteria: Invitae Variant Classification Sherloc (09022015). Collection method: clinical testing. Allele origin: germline.
Comment: This sequence change creates a premature translational stop signal (p.Ser1156Leufs*12) in the BRCA2 gene. It is expected to result in an absent or disrupted protein product. Loss-of-function variants in BRCA2 are known to be pathogenic (PMID: 20104584). This variant is not present in population databases (gnomAD no frequency). For these reasons, this variant has been classified as Pathogenic. This variant has not been reported in the literature in individuals affected with BRCA2-related conditions.

Literature cited by the submitters: PubMed 20104584.

NM_000059.4(BRCA2):c.3467del (p.Ser1156fs)

Gene: BRCA2 (BRCA2 DNA repair associated; plus strand). Cytogenetic location: 13q13.1.
Variant type: Deletion.
Coding change: c.3467del on transcript NM_000059.4 (MANE Select); coding-DNA position 3467, one base deleted (C; older notation c.3467delC).
Protein change: p.Ser1156fs; shifts the reading frame from serine 1156.
Molecular consequence: frameshift variant. On other transcripts: non-coding transcript variant (1), intron variant (2).
Genome position (GRCh38, 1-based): chr13:32,337,822, C deleted. VCF-style (leftmost placement, unchanged base first): chr13-32337821-TC-T. GRCh37 (hg19) VCF-style: chr13-32911958-TC-T.
Other names: c.3467del, p.Ser1156fs (NM_001406719.1, NM_001406720.1); c.1909+4435del (NM_001406721.1); c.425-6736del (NM_001406722.1); short protein forms S1156fs.
Identifiers: ClinVar variation 2750797 (VCV002750797.3), dbSNP rs1566228638, ClinGen allele CA919242455.
Genomic context (GRCh38, chr13:32,337,821, plus strand): 5'-ATATTGCAGAAGAGTACATTTGAAGTGCCTGAAAACCAGATGACTATCTTAAAGACCACT[TC>T]TGAGGAATGCAGAGATGCTGATCTTCATGTCATAATGAATGCCCCATCGATTGGTCAGGT-3'